The following is an entry in ClinVar:

NM_004364.5(CEBPA):c.809G>A (p.Gly270Asp)

Gene: CEBPA (CCAAT enhancer binding protein alpha; minus strand). Cytogenetic location: 19q13.11.
Variant type: single nucleotide variant.
Coding change: c.809G>A on transcript NM_004364.5 (MANE Select); coding-DNA position 809, G replaced by A.
Protein change: p.Gly270Asp; replaces glycine 270 with aspartic acid.
Molecular consequence: missense variant.
Genome position (GRCh38, 1-based): chr19:33,301,606, C>T on the plus strand (G>A on the coding strand, the complement: CEBPA is on the minus strand). VCF-style: chr19-33301606-C-T. GRCh37 (hg19) VCF-style: chr19-33792512-C-T.
Other names: c.452G>A, p.Gly151Asp (NM_001285829.2); c.914G>A, p.Gly305Asp (NM_001287424.2); c.767G>A, p.Gly256Asp (NM_001287435.2); short protein forms G151D, G305D, G256D, G270D.
Identifiers: ClinVar variation 3999994 (VCV003999994.1).
Genomic context (GRCh38, chr19:33,301,606, plus strand): 5'-TCGCGCCGCACCCGGTACTCGTTGCTGTTCTTGTCCACCGACTTCTTGGCCTTGCCCGCG[C>T]CGCTGCCGCCACTCGCGCGGAGGTCGGGGTGCGCGGCGCCCAGCCCCTTGAGCGCGCTGC-3'
Protein context (NP_004355.2, residues 260-280): HPDLRASGGS[Gly270Asp]AGKAKKSVDK

ClinVar aggregate classification (germline): Uncertain significance (1 of 4 stars; one submission).

Conditions:
Inborn genetic diseases. Identifiers: MedGen C0950123, MeSH D030342.

Submission:

Ambry Genetics
Classification: Uncertain significance for Inborn genetic diseases. Last evaluated: 2025-04-12. Review status: criteria provided, single submitter. Criteria: Ambry Variant Classification Scheme 2023. Collection method: clinical testing. Allele origin: germline.
Comment: The p.G270D variant (also known as c.809G>A), located in coding exon 1 of the CEBPA gene, results from a G to A substitution at nucleotide position 809. The glycine at codon 270 is replaced by aspartic acid, an amino acid with similar properties. This amino acid position is conserved. In addition, this alteration is predicted to be tolerated by in silico analysis. Based on the available evidence, the clinical significance of this variant remains unclear.